The following is an entry in ClinVar:

ClinVar aggregate classification (germline): Uncertain significance (1 of 4 stars; one submission).

Allele frequency attached by ClinVar (database versions not stated): gnomAD exomes below 0.00001.
gnomAD v4.1: 6 of 1,613,110 alleles (0.00037%); highest among the groups gnomAD compares: East Asian, 0.0045%; no homozygotes.

Submission:

GeneDx
Classification: Uncertain significance. Last evaluated: 2019-05-20. Review status: criteria provided, single submitter. Criteria: GeneDx Variant Classification Process June 2021. Collection method: clinical testing. Allele origin: germline. Affected: yes.
Comment: Not observed at a significant frequency in large population cohorts (Lek et al., 2016); In silico analysis, which includes protein predictors and evolutionary conservation, supports a deleterious effect; Has not been previously published as pathogenic or benign to our knowledge

NM_198525.3(KIF7):c.3938G>A (p.Gly1313Asp)

Gene: KIF7 (kinesin family member 7; minus strand). Cytogenetic location: 15q26.1.
Variant type: single nucleotide variant.
Coding change: c.3938G>A on transcript NM_198525.3 (MANE Select); coding-DNA position 3938, G replaced by A.
Protein change: p.Gly1313Asp; replaces glycine 1313 with aspartic acid.
Molecular consequence: missense variant.
Genome position (GRCh38, 1-based): chr15:89,628,513, C>T on the plus strand (G>A on the coding strand, the complement: KIF7 is on the minus strand). VCF-style: chr15-89628513-C-T. GRCh37 (hg19) VCF-style: chr15-90171744-C-T.
Other names: short protein forms G1313D.
Identifiers: ClinVar variation 1305916 (VCV001305916.2), dbSNP rs759591288, ClinGen allele CA7727475.
Genomic context (GRCh38, chr15:89,628,513, plus strand): 5'-GGGCTGGCTCGTCGCAGTTCCCGCCGGGGCTTGGACAAAGGCCCAAAGTTCCAGGGCAGG[C>T]CTGCCTCACCCACAGGAAGCACCCGCCCCACCAGGGGCTCAGCCGCCTCCCGCTGCCTCA-3'
Protein context (NP_940927.2, residues 1303-1323): VGRVLPVGEA[Gly1313Asp]LPWNFGPLSK